The following is an entry in ClinVar:

ClinVar aggregate classification (germline): Uncertain significance (1 of 4 stars; one submission).

Conditions:
Epidermolysis bullosa simplex 5B, with muscular dystrophy (EBS5B). Also called: Epidermolysis bullosa simplex with muscular dystrophy; EPIDERMOLYSIS BULLOSA SIMPLEX AND LIMB-GIRDLE MUSCULAR DYSTROPHY. Identifiers: Orphanet 257, MedGen C2931072, MONDO:0009181, OMIM 226670.
Epidermolysis bullosa simplex, Ogna type (EBS5A). Also called: Pidermolysis bullosa simplex 5A, Ogna type; EPIDERMOLYSIS BULLOSA SIMPLEX 5A, OGNA TYPE. Identifiers: Orphanet 79401, MedGen C0432317, MONDO:0007555, OMIM 131950.
Epidermolysis bullosa simplex with nail dystrophy (EBS5D). Identifiers: MedGen C4225309, MONDO:0014661, OMIM 616487.
Epidermolysis bullosa simplex 5C, with pyloric atresia (EBS5C). Also called: Epidermolysis bullosa simplex with pyloric atresia; PLEC-Related Epidermolysis Bullosa with Pyloric Atresia; PLEC1-Related Epidermolysis Bullosa with Pyloric Atresia. Identifiers: Orphanet 158684, MedGen C2677349, MONDO:0012807, OMIM 612138.
Autosomal recessive limb-girdle muscular dystrophy type 2Q (LGMDR17). Also called: MUSCULAR DYSTROPHY, LIMB-GIRDLE, AUTOSOMAL RECESSIVE 17. Identifiers: Orphanet 254361, MedGen C3150989, MONDO:0013390, OMIM 613723.

Allele frequency attached by ClinVar (database versions not stated): gnomAD exomes below 0.00001.
gnomAD v4.1: 2 of 1,541,212 alleles (0.00013%); highest among the groups gnomAD compares: Non-Finnish European, 0.00017%; no homozygotes.

Submission:

Labcorp Genetics (formerly Invitae), Labcorp
Classification: Uncertain significance for Autosomal recessive limb-girdle muscular dystrophy type 2Q; Epidermolysis bullosa simplex, Ogna type; Epidermolysis bullosa simplex with nail dystrophy; Epidermolysis bullosa simplex 5C, with pyloric atresia; Epidermolysis bullosa simplex 5B, with muscular dystrophy. Last evaluated: 2021-09-01. Review status: criteria provided, single submitter. Criteria: Invitae Variant Classification Sherloc (09022015). Collection method: clinical testing. Allele origin: germline.
Comment: This sequence change replaces glycine with serine at codon 2592 of the PLEC protein (p.Gly2592Ser). The glycine residue is moderately conserved and there is a small physicochemical difference between glycine and serine. The frequency data for this variant in the population databases is considered unreliable, as metrics indicate insufficient coverage at this position in the ExAC database. This variant has not been reported in the literature in individuals affected with PLEC-related conditions. Algorithms developed to predict the effect of missense changes on protein structure and function are either unavailable or do not agree on the potential impact of this missense change (SIFT: "Tolerated"; PolyPhen-2: "Possibly Damaging"; Align-GVGD: "Class C0"). In summary, the available evidence is currently insufficient to determine the role of this variant in disease. Therefore, it has been classified as a Variant of Uncertain Significance.

NM_201384.3(PLEC):c.7693G>A (p.Gly2565Ser)

Gene: PLEC (plectin; minus strand). Cytogenetic location: 8q24.3.
Variant type: single nucleotide variant.
Coding change: c.7693G>A on transcript NM_201384.3 (MANE Select); coding-DNA position 7693, G replaced by A.
Protein change: p.Gly2565Ser; replaces glycine 2565 with serine.
Molecular consequence: missense variant.
Genome position (GRCh38, 1-based): chr8:143,922,128, C>T on the plus strand (G>A on the coding strand, the complement: PLEC is on the minus strand). VCF-style: chr8-143922128-C-T. GRCh37 (hg19) VCF-style: chr8-144996296-C-T.
Other names: c.7774G>A, p.Gly2592Ser (NM_000445.5); c.7651G>A, p.Gly2551Ser (NM_201378.4); c.7627G>A, p.Gly2543Ser (NM_201379.3); c.8104G>A, p.Gly2702Ser (NM_201380.4); c.7597G>A, p.Gly2533Ser (NM_201381.3); c.7693G>A, p.Gly2565Ser (NM_201382.4); c.7705G>A, p.Gly2569Ser (NM_201383.3); short protein forms G2702S, G2551S, G2569S, G2565S, G2533S, G2543S, G2592S.
Identifiers: ClinVar variation 1444296 (VCV001444296.5), dbSNP rs1554688445, ClinGen allele CA372523013.